The following is an entry in ClinVar:

NM_001278116.2(L1CAM):c.190G>T (p.Glu64Ter)

Gene: L1CAM (L1 cell adhesion molecule; minus strand). Cytogenetic location: Xq28.
Variant type: single nucleotide variant.
Coding change: c.190G>T on transcript NM_001278116.2 (MANE Select); coding-DNA position 190, G replaced by T.
Protein change: p.Glu64Ter; replaces glutamic acid 64 with a stop codon.
Molecular consequence: nonsense.
Genome position (GRCh38, 1-based): chrX:153,872,599, C>A on the plus strand (G>T on the coding strand, the complement: L1CAM is on the minus strand). VCF-style: chrX-153872599-C-A. GRCh37 (hg19) VCF-style: chrX-153138054-C-A.
Other names: c.190G>T, p.Glu64Ter (NM_000425.5, NM_024003.3); c.175G>T, p.Glu59Ter (NM_001143963.2); short protein forms E59*, E64*.
Identifiers: ClinVar variation 3348140 (VCV003348140.1).

ClinVar aggregate classification (germline): Likely pathogenic (0 of 4 stars; one submission).

Conditions:
L1CAM-related disorder. Also called: L1CAM-related condition.

Submission:

PreventionGenetics, part of Exact Sciences
Classification: Likely pathogenic for L1CAM-related condition. Last evaluated: 2024-03-07. Review status: no assertion criteria provided. Collection method: clinical testing. Allele origin: germline.
Comment: The L1CAM c.190G>T variant is predicted to result in premature protein termination (p.Glu64*). To our knowledge, this variant has not been reported in the literature or in a large population database, indicating this variant is rare. Nonsense variants in L1CAM are expected to be pathogenic. This variant is interpreted as likely pathogenic.